The following is an entry in ClinVar:

ClinVar aggregate classification (germline): Pathogenic/Likely pathogenic. Review status: criteria provided, multiple submitters, no conflicts (2 of 4 stars). 2 submissions from 2 submitters: Pathogenic (1); Likely pathogenic (1). Last evaluated 2025-12-28.

Conditions:
Autosomal recessive polycystic kidney disease (ARPKD). Also called: AR polycystic kidney disease. Identifiers: Orphanet 731, Orphanet 8378, MedGen C0085548, MeSH D017044, MONDO:0009889.

Submissions (2):

Natera, Inc.
Classification: Likely pathogenic for Autosomal recessive polycystic kidney disease. Last evaluated: 2025-12-28. Review status: criteria provided, single submitter. Criteria: Natera Variant Classification Schema (03/2026). Collection method: clinical testing. Allele origin: germline.
Comment: The c.9779G>A variant in PKHD1 is a nonsense variant predicted to introduce a stop codon at amino acid 3260. This variant is expected to result in nonsense mediated decay, truncation, or a dysfunctional protein product. This variant is rare in the general population with a frequency below the threshold expected for the associated phenotype(s). Given the available evidence, this variant is classified as Likely Pathogenic.

Labcorp Genetics (formerly Invitae), Labcorp
Classification: Pathogenic for Autosomal recessive polycystic kidney disease. Last evaluated: 2022-08-19. Review status: criteria provided, single submitter. Criteria: Invitae Variant Classification Sherloc (09022015). Collection method: clinical testing. Allele origin: germline.
Comment: This sequence change creates a premature translational stop signal (p.Trp3260*) in the PKHD1 gene. It is expected to result in an absent or disrupted protein product. Loss-of-function variants in PKHD1 are known to be pathogenic (PMID: 19940839). This variant is not present in population databases (gnomAD no frequency). This variant has not been reported in the literature in individuals affected with PKHD1-related conditions. For these reasons, this variant has been classified as Pathogenic.

Literature cited by the submitters: PubMed 19940839 (cited by Labcorp Genetics (formerly Invitae), Labcorp).

NM_138694.4(PKHD1):c.9779G>A (p.Trp3260Ter)

Gene: PKHD1 (PKHD1 ciliary IPT domain containing fibrocystin/polyductin; minus strand). Cytogenetic location: 6p12.3.
Variant type: single nucleotide variant.
Coding change: c.9779G>A on transcript NM_138694.4 (MANE Select); coding-DNA position 9779, G replaced by A.
Protein change: p.Trp3260Ter; replaces tryptophan 3260 with a stop codon.
Molecular consequence: nonsense.
Genome position (GRCh38, 1-based): chr6:51,747,837, C>T on the plus strand (G>A on the coding strand, the complement: PKHD1 is on the minus strand). VCF-style: chr6-51747837-C-T. GRCh37 (hg19) VCF-style: chr6-51612635-C-T.
Other names: c.9779G>A, p.Trp3260Ter (NM_170724.3); c.9779G>A (NM_138694.3); short protein forms W3260*.
Identifiers: ClinVar variation 2064441 (VCV002064441.5), dbSNP rs2533802259, ClinGen allele CA364420153.